The following is an entry in ClinVar:

ClinVar aggregate classification (germline): Uncertain significance. Review status: criteria provided, multiple submitters, no conflicts (2 of 4 stars). 4 submissions from 4 submitters: Uncertain significance (4). Last evaluated 2025-09-27.

Conditions:
RASopathy. Also called: Noonan spectrum disorder; rasopathies. Identifiers: Orphanet 536391, MedGen C5555857, MONDO:0021060.
Cardiovascular phenotype. Identifiers: MedGen CN230736.
Juvenile myelomonocytic leukemia (JMML). Also called: LEUKEMIA, JUVENILE MYELOMONOCYTIC, SOMATIC. Identifiers: Orphanet 86834, MedGen C0349639, MONDO:0011908, OMIM 607785, HP:0012209.
Metachondromatosis (METCDS). Identifiers: Orphanet 2499, MedGen C0410530, MONDO:0007979, OMIM 156250.
Noonan syndrome 1 (NS1). Also called: FEMALE PSEUDO-TURNER SYNDROME; TURNER PHENOTYPE WITH NORMAL KARYOTYPE; PTPN11-Related Noonan Syndrome. Identifiers: Orphanet 648, MedGen C4551602, MONDO:0008104, OMIM 163950. Disease mechanism: gain of function.
LEOPARD syndrome 1 (LPRD1). Also called: LENTIGINOSIS, CARDIOMYOPATHIC; MULTIPLE LENTIGINES SYNDROME; PTPN11-Related LEOPARD Syndrome. Identifiers: Orphanet 500, MedGen C4551484, MONDO:0100082, OMIM 151100.

gnomAD v4.1: 2 of 1,614,028 alleles (0.00012%); highest among the groups gnomAD compares: Admixed American, 0.0017%; no homozygotes.

Submissions (4):

Mayo Clinic Laboratories, Mayo Clinic
Classification: Uncertain significance. Last evaluated: 2025-09-27. Review status: criteria provided, single submitter. Criteria: ACMG Guidelines, 2015. Collection method: clinical testing. Allele origin: germline. Observed: 1 variant allele.
Comment: PP2, PP3, PM2_supporting

Ambry Genetics
Classification: Uncertain significance for Cardiovascular phenotype. Last evaluated: 2025-08-09. Review status: criteria provided, single submitter. Criteria: Ambry Variant Classification Scheme 2023. Collection method: clinical testing. Allele origin: germline.
Comment: The p.P101L variant (also known as c.302C>T), located in coding exon 3 of the PTPN11 gene, results from a C to T substitution at nucleotide position 302. The proline at codon 101 is replaced by leucine, an amino acid with similar properties. This amino acid position is conserved. In addition, this alteration is predicted to be deleterious by in silico analysis. Since supporting evidence is limited at this time, the clinical significance of this alteration remains unclear.

Labcorp Genetics (formerly Invitae), Labcorp
Classification: Uncertain significance for RASopathy. Last evaluated: 2025-01-08. Review status: criteria provided, single submitter. Criteria: Invitae Variant Classification Sherloc (09022015). Collection method: clinical testing. Allele origin: germline.
Comment: This sequence change replaces proline, which is neutral and non-polar, with leucine, which is neutral and non-polar, at codon 101 of the PTPN11 protein (p.Pro101Leu). This variant is not present in population databases (gnomAD no frequency). This variant has not been reported in the literature in individuals affected with PTPN11-related conditions. ClinVar contains an entry for this variant (Variation ID: 2587732). Invitae Evidence Modeling of protein sequence and biophysical properties (such as structural, functional, and spatial information, amino acid conservation, physicochemical variation, residue mobility, and thermodynamic stability) indicates that this missense variant is expected to disrupt PTPN11 protein function with a positive predictive value of 95%. In summary, the available evidence is currently insufficient to determine the role of this variant in disease. Therefore, it has been classified as a Variant of Uncertain Significance.

Fulgent Genetics
Classification: Uncertain significance for LEOPARD syndrome 1; Metachondromatosis; Noonan syndrome 1; Juvenile myelomonocytic leukemia. Last evaluated: 2024-01-08. Review status: criteria provided, single submitter. Criteria: ACMG Guidelines, 2015. Collection method: clinical testing. Allele origin: germline.

NM_002834.5(PTPN11):c.302C>T (p.Pro101Leu)

Gene: PTPN11 (protein tyrosine phosphatase non-receptor type 11; plus strand). Cytogenetic location: 12q24.13.
Variant type: single nucleotide variant.
Coding change: c.302C>T on transcript NM_002834.5 (MANE Select); coding-DNA position 302, C replaced by T.
Protein change: p.Pro101Leu; replaces proline 101 with leucine.
Molecular consequence: missense variant.
Genome position (GRCh38, 1-based): chr12:112,450,482, C>T. VCF-style: chr12-112450482-C-T. GRCh37 (hg19) VCF-style: chr12-112888286-C-T.
Other names: p.Pro101Leu; c.302C>T (NM_002834.4); c.302C>T, p.Pro101Leu (NM_001330437.2, NM_080601.3); c.299C>T, p.Pro100Leu (NM_001374625.1); short protein forms P100L, P101L.
Identifiers: ClinVar variation 2587732 (VCV002587732.9), dbSNP rs2135862932, ClinGen allele CA386778329.